The following is an entry in ClinVar:

ClinVar aggregate classification (germline): Pathogenic. Review status: criteria provided, multiple submitters, no conflicts (2 of 4 stars). 7 submissions from 7 submitters: Pathogenic (5). 2 of the submissions do not count toward it. Last evaluated 2026-01-16.

Conditions:
Inborn genetic diseases. Identifiers: MedGen C0950123, MeSH D030342.
Methylmalonic aciduria, cblB type (MACB). Also called: Methylmalonic acidemia cblB type; METHYLMALONIC ACIDURIA, VITAMIN B12-RESPONSIVE, DUE TO DEFECT IN SYNTHESIS OF ADENOSYLCOBALAMIN, cblB TYPE; Vitamin B12-responsive methylmalonic acidemia type cblB. Identifiers: Orphanet 28, Orphanet 79311, MedGen C1855102, MONDO:0009614, OMIM 251110.

Allele frequency attached by ClinVar (database versions not stated): TOPMed below 0.00001; ExAC 0.00001; gnomAD 0.00003; gnomAD exomes 0.00001.
gnomAD v4.1: 23 of 1,610,324 alleles (0.0014%); highest among the groups gnomAD compares: Admixed American, 0.0017%; no homozygotes.

Submissions (7):

GeneDx
Classification: Pathogenic. Last evaluated: 2026-01-16. Review status: criteria provided, single submitter. Criteria: GeneDx Variant Classification Process June 2021. Collection method: clinical testing. Allele origin: germline. Affected: yes.
Comment: Published functional studies demonstrate a damaging effect (Brasil et al., 2018); Not observed at a significant frequency in large population cohorts (gnomAD); In silico analysis supports that this missense variant has a deleterious effect on protein structure/function; This variant is associated with the following publications: (PMID: 30973671, 23707710, 16410054, 31589614, 29197662, 20301409, 27591164, 34796408)

Labcorp Genetics (formerly Invitae), Labcorp
Classification: Pathogenic for Methylmalonic aciduria, cblB type. Last evaluated: 2025-06-20. Review status: criteria provided, single submitter. Criteria: Invitae Variant Classification Sherloc (09022015). Collection method: clinical testing. Allele origin: germline.
Comment: This sequence change replaces arginine, which is basic and polar, with glutamine, which is neutral and polar, at codon 191 of the MMAB protein (p.Arg191Gln). This variant is present in population databases (rs746219370, gnomAD 0.003%). This missense change has been observed in individual(s) with methylmalonic aciduria cobalamin B type (PMID: 16410054, 23707710, 27591164; internal data). In at least one individual the data is consistent with being in trans (on the opposite chromosome) from a pathogenic variant. ClinVar contains an entry for this variant (Variation ID: 219006). Invitae Evidence Modeling of protein sequence and biophysical properties (such as structural, functional, and spatial information, amino acid conservation, physicochemical variation, residue mobility, and thermodynamic stability) indicates that this missense variant is not expected to disrupt MMAB protein function with a negative predictive value of 80%. This variant disrupts the p.Arg191 amino acid residue in MMAB. Other variant(s) that disrupt this residue have been determined to be pathogenic (PMID: 20556797, 23707710, 27591164, 30022420). This suggests that this residue is clinically significant, and that variants that disrupt this residue are likely to be disease-causing. For these reasons, this variant has been classified as Pathogenic.

Natera, Inc.
Classification: Pathogenic for Methylmalonic aciduria cblB type. Last evaluated: 2025-03-17. Review status: criteria provided, single submitter. Criteria: Natera Variant Classification Schema (03/2026). Collection method: clinical testing. Allele origin: germline.
Comment: The c.572G>A variant in MMAB is a missense variant predicted to cause substitution of arginine to glutamine at amino acid 191. This variant is rare in the general population with a frequency below the threshold expected for the associated phenotype(s). This variant has been observed in one or more individuals affected with the associated recessive disease, as either homozygous or compound heterozygous with a second variant (PMID: 34796408, 16410054). Computational prediction algorithms indicate this variant is likely to affect gene or protein function. Given the available evidence, this variant is classified as Pathogenic.

Ambry Genetics
Classification: Pathogenic for Inborn genetic diseases. Last evaluated: 2022-07-05. Review status: criteria provided, single submitter. Criteria: Ambry Variant Classification Scheme 2023. Collection method: clinical testing. Allele origin: germline.
Comment: The c.572G>A (p.R191Q) alteration is located in exon 7 (coding exon 7) of the MMAB gene. This alteration results from a G to A substitution at nucleotide position 572, causing the arginine (R) at amino acid position 191 to be replaced by a glutamine (Q). Based on data from gnomAD, the A allele has an overall frequency of <0.01% (5/279944) total alleles studied. The highest observed frequency was <0.01% (4/128276) of European (non-Finnish) alleles. This alteration has been identified in the compound heterozygous and homozygous state in multiple individuals with methylmalonic aciduria (Lerner-Ellis, 2006; Illson, 2013; Devi, 2017; Forny, 2021). This amino acid position is highly conserved in available vertebrate species. Experimental studies have shown this variant causes destabilization and impaired oligomerization of the protein (Brasil, 2018). This alteration is predicted to be deleterious by in silico analysis. Based on the available evidence, this alteration is classified as pathogenic.

Juno Genomics, Hangzhou Juno Genomics, Inc
Classification: Pathogenic for Methylmalonic aciduria, cblB type. Review status: criteria provided, single submitter. Criteria: ACMG Guidelines, 2015. Collection method: clinical testing. Allele origin: germline.
Comment: Absent from controls (or at extremely low frequency if recessive) in Genome Aggregation Database.;Well-established in vitro or in vivo functional studies supportive of a damaging effect on the gene or gene product.;For recessive disorders, detected in trans with a pathogenic variant.;Novel missense change at an amino acid residue where a different missense change determined to be pathogenic has been seen before.

Baumgartner lab, University Children's Hospital Zurich
Classification: Pathogenic for Methylmalonic aciduria, cblB type. Last evaluated: 2021-06-01. Review status: no assertion criteria provided. Collection method: clinical testing. Allele origin: germline. Affected: yes. Not counted in ClinVar's aggregate classification.

GeneReviews
No classification provided. Condition: Methylmalonic aciduria, cblB type. Review status: no classification provided. Collection method: literature only. Allele origin: germline. Affected: yes. Not counted in ClinVar's aggregate classification.

Literature cited by the submitters: PubMed 16410054 (cited by 3 submitters); PubMed 23707710 (cited by Labcorp Genetics (formerly Invitae), Labcorp and Ambry Genetics); PubMed 27591164 (cited by Labcorp Genetics (formerly Invitae), Labcorp and Ambry Genetics); PubMed 20556797 (cited by Labcorp Genetics (formerly Invitae), Labcorp); PubMed 30022420 (cited by Labcorp Genetics (formerly Invitae), Labcorp); PubMed 34796408 (cited by Natera, Inc. and Ambry Genetics); PubMed 29197662 (cited by Ambry Genetics); NCBI Bookshelf NBK1231 (cited by GeneReviews).

NM_052845.4(MMAB):c.572G>A (p.Arg191Gln)

Gene: MMAB (metabolism of cobalamin associated B; minus strand). Cytogenetic location: 12q24.11.
Variant type: single nucleotide variant.
Coding change: c.572G>A on transcript NM_052845.4 (MANE Select); coding-DNA position 572, G replaced by A.
Protein change: p.Arg191Gln; replaces arginine 191 with glutamine.
Molecular consequence: missense variant. On other transcripts: non-coding transcript variant (1).
Genome position (GRCh38, 1-based): chr12:109,561,052, C>T on the plus strand (G>A on the coding strand, the complement: MMAB is on the minus strand). VCF-style: chr12-109561052-C-T. GRCh37 (hg19) VCF-style: chr12-109998857-C-T.
Other names: short protein forms R191Q.
Identifiers: ClinVar variation 219006 (VCV000219006.22), dbSNP rs746219370, ClinGen allele CA347882.
Genomic context (GRCh38, chr12:109,561,052, plus strand): 5'-TTCCTCTCCCTCTCCCTTGGGCCCTCTCCCTCTCTCCAGCCCTCTTACCGTCTCTCGGCC[C>T]GGCGGCACACGGCCCGGCAGAAATGCAGCGCCGAGCTGATCTTGCCTCCCGACTGAAAGG-3'
Protein context (NP_443077.1, residues 181-201): ALHFCRAVCR[Arg191Gln]AERRVVPLVQ